The following is an entry in ClinVar:

ClinVar aggregate classification (germline): Uncertain significance. Review status: criteria provided, multiple submitters, no conflicts (2 of 4 stars). 4 submissions from 4 submitters: Uncertain significance (4). Last evaluated 2026-02-17.

Conditions:
Hereditary cancer-predisposing syndrome. Also called: Tumor predisposition; Hereditary neoplastic syndrome; Neoplastic Syndromes, Hereditary; Hereditary Cancer Syndrome. Identifiers: Orphanet 140162, MedGen C0027672, MeSH D009386, MONDO:0015356.
Nijmegen breakage syndrome-like disorder (NBSLD). Also called: MICROCEPHALY AND SPONTANEOUS CHROMOSOME INSTABILITY WITHOUT IMMUNODEFICIENCY; NBS-LIKE DISORDER; RAD50 DEFICIENCY. Identifiers: Orphanet 240760, MedGen C2751318, MONDO:0013118, OMIM 613078.

Submissions (4):

Biotechnology, Institute of Science, Nirma University
Classification: Uncertain significance for Nijmegen breakage syndrome-like disorder. Last evaluated: 2026-02-17. Review status: criteria provided, single submitter. Criteria: ACMG Guidelines, 2015. Collection method: research. Allele origin: germline. Affected: no. Observed: 1 heterozygote. Segregation with disease not observed.
Comment: This missense variant is present in exon 12 of the RAD50 gene, that leads to substitution of Lysine to Isoleucine at codon 651. This variant has been earlier reported in ClinVar database in hereditary cancer-predisposing syndrome. The population frequency of the variant is not present in gnomAD. The in-silico predictions are shown to be possibly damaging. Considering all these conditions, the variant has been classified as that of uncertain significance.

Ambry Genetics
Classification: Uncertain significance for Hereditary cancer-predisposing syndrome. Last evaluated: 2025-01-11. Review status: criteria provided, single submitter. Criteria: Ambry Variant Classification Scheme 2023. Collection method: clinical testing. Allele origin: germline.
Comment: The p.K651I variant (also known as c.1952A>T), located in coding exon 12 of the RAD50 gene, results from an A to T substitution at nucleotide position 1952. The lysine at codon 651 is replaced by isoleucine, an amino acid with dissimilar properties. This amino acid position is conserved. In addition, the in silico prediction for this alteration is inconclusive. Based on the available evidence, the clinical significance of this variant remains unclear.

Quest Diagnostics Nichols Institute San Juan Capistrano
Classification: Uncertain significance. Last evaluated: 2024-01-25. Review status: criteria provided, single submitter. Criteria: Quest Diagnostics criteria. Collection method: clinical testing. Allele origin: unknown.
Comment: The RAD50 c.1952A>T (p.Lys651Ile) variant has not been reported in individuals with RAD50-related conditions in the published literature. It also has not been reported in large, multi-ethnic general populations (Genome Aggregation Database). Analysis of this variant using bioinformatics tools for the prediction of the effect of amino acid changes on protein structure and function yielded conflicting predictions that this variant is benign or damaging. Based on the available information, we are unable to determine the clinical significance of this variant.

Labcorp Genetics (formerly Invitae), Labcorp
Classification: Uncertain significance for Hereditary cancer-predisposing syndrome. Last evaluated: 2021-02-04. Review status: criteria provided, single submitter. Criteria: Invitae Variant Classification Sherloc (09022015). Collection method: clinical testing. Allele origin: germline.
Comment: In summary, the available evidence is currently insufficient to determine the role of this variant in disease. Therefore, it has been classified as a Variant of Uncertain Significance. Algorithms developed to predict the effect of missense changes on protein structure and function are either unavailable or do not agree on the potential impact of this missense change (SIFT: "Deleterious"; PolyPhen-2: "Possibly Damaging"; Align-GVGD: "Class C0"). This variant has not been reported in the literature in individuals with RAD50-related conditions. This variant is not present in population databases (ExAC no frequency). This sequence change replaces lysine with isoleucine at codon 651 of the RAD50 protein (p.Lys651Ile). The lysine residue is highly conserved and there is a moderate physicochemical difference between lysine and isoleucine.

NM_005732.4(RAD50):c.1952A>T (p.Lys651Ile)

Gene: RAD50 (RAD50 double strand break repair protein; plus strand). Cytogenetic location: 5q31.1.
Variant type: single nucleotide variant.
Coding change: c.1952A>T on transcript NM_005732.4 (MANE Select); coding-DNA position 1952, A replaced by T.
Protein change: p.Lys651Ile; replaces lysine 651 with isoleucine.
Molecular consequence: missense variant.
Genome position (GRCh38, 1-based): chr5:132,595,027, A>T. VCF-style: chr5-132595027-A-T. GRCh37 (hg19) VCF-style: chr5-131930719-A-T.
Other names: short protein forms K651I.
Identifiers: ClinVar variation 960718 (VCV000960718.13), dbSNP rs1331523887, ClinGen allele CA360948560.